The following is an entry in ClinVar:

NM_001267550.2(TTN):c.68823C>G (p.Tyr22941Ter)

Genes: TTN (titin; minus strand), TTN-AS1 (TTN antisense RNA 1; plus strand). Cytogenetic location: 2q31.2.
Variant type: single nucleotide variant.
Coding change: c.68823C>G on transcript NM_001267550.2 (MANE Select); coding-DNA position 68823, C replaced by G.
Protein change: p.Tyr22941Ter; replaces tyrosine 22941 with a stop codon.
Molecular consequence: nonsense.
Genome position (GRCh38, 1-based): chr2:178,577,603, G>C on the plus strand (C>G on the coding strand, the complement: TTN is on the minus strand). VCF-style: chr2-178577603-G-C. GRCh37 (hg19) VCF-style: chr2-179442330-G-C.
Other names: c.63900C>G, p.Tyr21300Ter (NM_001256850.1); c.41628C>G, p.Tyr13876Ter (NM_003319.4); c.61119C>G, p.Tyr20373Ter (NM_133378.4); c.42003C>G, p.Tyr14001Ter (NM_133432.3); c.42204C>G, p.Tyr14068Ter (NM_133437.4); short protein forms Y13876*, Y14001*, Y14068*, Y20373*, Y21300*, Y22941*.
Identifiers: ClinVar variation 3756769 (VCV003756769.2).

ClinVar aggregate classification (germline): Likely pathogenic (1 of 4 stars; one submission).

Conditions:
Dilated cardiomyopathy 1G (CMD1G). Identifiers: Orphanet 154, MedGen C1858763, MONDO:0011400, OMIM 604145.
Autosomal recessive limb-girdle muscular dystrophy type 2J (LGMDR10). Also called: Limb-girdle muscular dystrophy, type 2J; MUSCULAR DYSTROPHY, LIMB-GIRDLE, AUTOSOMAL RECESSIVE 10. Identifiers: Orphanet 140922, MedGen C1837342, MONDO:0012127, OMIM 608807.

Submission:

Labcorp Genetics (formerly Invitae), Labcorp
Classification: Likely pathogenic for Dilated cardiomyopathy 1G; Autosomal recessive limb-girdle muscular dystrophy type 2J. Last evaluated: 2024-06-11. Review status: criteria provided, single submitter. Criteria: Invitae Variant Classification Sherloc (09022015). Collection method: clinical testing. Allele origin: germline.
Comment: This sequence change creates a premature translational stop signal (p.Tyr22941*) in the TTN gene. While this is not anticipated to result in nonsense mediated decay, it is expected to create a truncated TTN protein. This variant is not present in population databases (gnomAD no frequency). This variant has not been reported in the literature in individuals affected with TTN-related conditions. This variant is located in the A band of TTN (PMID: 25589632). Truncating variants in this region are significantly overrepresented in patients affected with dilated cardiomyopathy (PMID: 25589632). Truncating variants in this region have also been reported in individuals affected with autosomal recessive centronuclear myopathy (PMID: 23975875). In summary, the currently available evidence indicates that the variant is pathogenic, but additional data are needed to prove that conclusively. Therefore, this variant has been classified as Likely Pathogenic.

Literature cited by the submitters: PubMed 25589632; PubMed 23975875.